The following is an entry in ClinVar:

NM_001330260.2(SCN8A):c.4693T>C (p.Phe1565Leu)

Gene: SCN8A (sodium voltage-gated channel alpha subunit 8; plus strand). Cytogenetic location: 12q13.13.
Variant type: single nucleotide variant.
Coding change: c.4693T>C on transcript NM_001330260.2 (MANE Select); coding-DNA position 4693, T replaced by C.
Protein change: p.Phe1565Leu; replaces phenylalanine 1565 with leucine.
Molecular consequence: missense variant.
Genome position (GRCh38, 1-based): chr12:51,794,539, T>C. VCF-style: chr12-51794539-T-C. GRCh37 (hg19) VCF-style: chr12-52188323-T-C.
Other names: c.4570T>C, p.Phe1524Leu (NM_001177984.3, NM_001369788.1); c.4693T>C, p.Phe1565Leu (NM_014191.4); short protein forms F1524L, F1565L.
Identifiers: ClinVar variation 1723729 (VCV001723729.2), dbSNP rs2540315746, ClinGen allele CA384879149.
Genomic context (GRCh38, chr12:51,794,539, plus strand): 5'-ACTCAAAGCAAGCAGATGGAGAACATCCTCTACTGGATTAACCTGGTGTTTGTTATCTTC[T>C]TCACCTGTGAGTGTGTGCTCAAAATGTTTGCGTTGAGGCACTACTACTTCACCATTGGCT-3'
Protein context (NP_001317189.1, residues 1555-1575): YWINLVFVIF[Phe1565Leu]TCECVLKMFA

ClinVar aggregate classification (germline): Uncertain significance (1 of 4 stars; one submission).

Submission:

GeneDx
Classification: Uncertain significance. Last evaluated: 2022-05-13. Review status: criteria provided, single submitter. Criteria: GeneDx Variant Classification Process June 2021. Collection method: clinical testing. Allele origin: germline. Affected: yes.
Comment: Not observed at significant frequency in large population cohorts (gnomAD); Missense variants in this gene are often considered pathogenic (HGMD); In silico analysis supports that this missense variant has a deleterious effect on protein structure/function; Has not been previously published as pathogenic or benign to our knowledge; This substitution is predicted to be within the transmembrane segment S2 of the fourth homologous domain